The following is an entry in ClinVar:

NM_171998.4(RAB39B):c.266T>G (p.Phe89Cys)

Gene: RAB39B (RAB39B, member RAS oncogene family; minus strand). Cytogenetic location: Xq28.
Variant type: single nucleotide variant.
Coding change: c.266T>G on transcript NM_171998.4 (MANE Select); coding-DNA position 266, T replaced by G.
Protein change: p.Phe89Cys; replaces phenylalanine 89 with cysteine.
Molecular consequence: missense variant.
Genome position (GRCh38, 1-based): chrX:155,261,179, A>C on the plus strand (T>G on the coding strand, the complement: RAB39B is on the minus strand). VCF-style: chrX-155261179-A-C. GRCh37 (hg19) VCF-style: chrX-154490464-A-C.
Other names: short protein forms F89C.
Identifiers: ClinVar variation 3367858 (VCV003367858.1).

ClinVar aggregate classification (germline): Uncertain significance (1 of 4 stars; one submission).

Submission:

GeneDx
Classification: Uncertain significance. Last evaluated: 2024-01-11. Review status: criteria provided, single submitter. Criteria: GeneDx Variant Classification Process June 2021. Collection method: clinical testing. Allele origin: germline. Affected: yes.
Comment: Not observed at significant frequency in large population cohorts (gnomAD); In silico analysis supports that this missense variant has a deleterious effect on protein structure/function; Has not been previously published as pathogenic or benign to our knowledge